The following is an entry in ClinVar:

ClinVar aggregate classification (germline): Pathogenic (1 of 4 stars; one submission).

Conditions:
Exostoses, multiple, type 2 (EXT2). Also called: EXOSTOSES, MULTIPLE, TYPE II; Hereditary Multiple Osteochondromatosis, Type II. Identifiers: Orphanet 321, MedGen C1851413, MONDO:0007586, OMIM 133701.

Submission:

Labcorp Genetics (formerly Invitae), Labcorp
Classification: Pathogenic for Exostoses, multiple, type 2. Last evaluated: 2022-04-16. Review status: criteria provided, single submitter. Criteria: Invitae Variant Classification Sherloc (09022015). Collection method: clinical testing. Allele origin: germline.
Comment: This sequence change affects an acceptor splice site in intron 6 of the EXT2 gene. It is expected to disrupt RNA splicing. Variants that disrupt the donor or acceptor splice site typically lead to a loss of protein function (PMID: 16199547), and loss-of-function variants in EXT2 are known to be pathogenic (PMID: 10679937, 19810120). This variant is not present in population databases (gnomAD no frequency). Disruption of this splice site has been observed in individual(s) with hereditary multiple osteochondromas (Invitae). Algorithms developed to predict the effect of sequence changes on RNA splicing suggest that this variant may disrupt the consensus splice site. For these reasons, this variant has been classified as Pathogenic.

Literature cited by the submitters: PubMed 16199547; PubMed 10679937; PubMed 19810120.

NM_207122.2(EXT2):c.1080-1G>T

Gene: EXT2 (exostosin glycosyltransferase 2; plus strand). Cytogenetic location: 11p11.2.
Variant type: single nucleotide variant.
Coding change: c.1080-1G>T on transcript NM_207122.2 (MANE Select); the canonical splice acceptor site of the intron before coding-DNA position 1080, G replaced by T.
Molecular consequence: splice acceptor variant.
Genome position (GRCh38, 1-based): chr11:44,130,044, G>T. VCF-style: chr11-44130044-G-T. GRCh37 (hg19) VCF-style: chr11-44151594-G-T.
Other names: c.1080-1G>T (NM_001389630.1, NM_001178083.3, NM_001389628.1); c.1179-1G>T (NM_000401.3).
Identifiers: ClinVar variation 1456520 (VCV001456520.8), dbSNP rs2135029007, ClinGen allele CA380170234.